The following is an entry in ClinVar:

ClinVar aggregate classification (germline): Uncertain significance (1 of 4 stars; one submission).

Conditions:
Epidermolysis bullosa simplex 3, localized or generalized intermediate, with BP230 deficiency (EBS3). Also called: Epidermolysis bullosa simplex, autosomal recessive 2; Epidermolysis bullosa simplex due to BP230 deficiency. Identifiers: Orphanet 412181, MedGen C3809470, MONDO:0014180, OMIM 615425.
Hereditary sensory and autonomic neuropathy type 6. Also called: HSAN VI; Neuropathy, hereditary sensory and autonomic, type VI. Identifiers: Orphanet 314381, MedGen C3539003, MONDO:0013839, OMIM 614653.

Submission:

Labcorp Genetics (formerly Invitae), Labcorp
Classification: Uncertain significance for Epidermolysis bullosa simplex 3, localized or generalized intermediate, with BP230 deficiency; Hereditary sensory and autonomic neuropathy type 6. Last evaluated: 2022-06-21. Review status: criteria provided, single submitter. Criteria: Invitae Variant Classification Sherloc (09022015). Collection method: clinical testing. Allele origin: germline.
Comment: In summary, the available evidence is currently insufficient to determine the role of this variant in disease. Therefore, it has been classified as a Variant of Uncertain Significance. Experimental studies and prediction algorithms are not available or were not evaluated, and the functional significance of this variant is currently unknown. This variant has not been reported in the literature in individuals affected with DST-related conditions. This variant is not present in population databases (gnomAD no frequency). This sequence change replaces glycine, which is neutral and non-polar, with aspartic acid, which is acidic and polar, at codon 3443 of the DST protein (p.Gly3443Asp). The DST gene has multiple clinically relevant transcripts. This variant occurs in alternate transcript NM_015548.4:c.10328G>A, and corresponds to NM_001723.5:c.*97964G>A in the primary transcript.

NM_001374736.1(DST):c.18197G>A (p.Gly6066Asp)

Gene: DST (dystonin; minus strand). Cytogenetic location: 6p12.1.
Variant type: single nucleotide variant.
Coding change: c.18197G>A on transcript NM_001374736.1 (MANE Select); coding-DNA position 18197, G replaced by A.
Protein change: p.Gly6066Asp; replaces glycine 6066 with aspartic acid.
Molecular consequence: missense variant.
Genome position (GRCh38, 1-based): chr6:56,517,553, C>T on the plus strand (G>A on the coding strand, the complement: DST is on the minus strand). VCF-style: chr6-56517553-C-T. GRCh37 (hg19) VCF-style: chr6-56382351-C-T.
Other names: c.11840G>A, p.Gly3947Asp (NM_001144769.5); c.11426G>A, p.Gly3809Asp (NM_001144770.2); c.18197G>A, p.Gly6066Asp (NM_001374722.1); c.17237G>A, p.Gly5746Asp (NM_001374729.1); c.10979G>A, p.Gly3660Asp (NM_001374730.1); c.18224G>A, p.Gly6075Asp (NM_001374734.1); c.11306G>A, p.Gly3769Asp (NM_001386100.1, NM_183380.4); c.10328G>A, p.Gly3443Asp (NM_015548.5); short protein forms G3660D, G3769D, G3947D, G5746D, G6066D, G3443D, G3809D, G6075D.
Identifiers: ClinVar variation 2008788 (VCV002008788.4), dbSNP rs2534531220, ClinGen allele CA364504304.